The following is an entry in ClinVar:

NM_004239.4(TRIP11):c.3499C>T (p.Arg1167Ter)

Gene: TRIP11 (thyroid hormone receptor interactor 11; minus strand). Cytogenetic location: 14q32.12.
Variant type: single nucleotide variant.
Coding change: c.3499C>T on transcript NM_004239.4 (MANE Select); coding-DNA position 3499, C replaced by T.
Protein change: p.Arg1167Ter; replaces arginine 1167 with a stop codon.
Molecular consequence: nonsense.
Genome position (GRCh38, 1-based): chr14:92,004,477, G>A on the plus strand (C>T on the coding strand, the complement: TRIP11 is on the minus strand). VCF-style: chr14-92004477-G-A. GRCh37 (hg19) VCF-style: chr14-92470821-G-A.
Other names: c.3496C>T, p.Arg1166Ter (NM_001321851.1); short protein forms R1167*, R1166*.
Identifiers: ClinVar variation 3714919 (VCV003714919.2).

ClinVar aggregate classification (germline): Pathogenic (1 of 4 stars; one submission).

Conditions:
Achondrogenesis, type IA (ACG1A). Identifiers: Orphanet 932, Orphanet 93299, MedGen C0265273, MONDO:0008701, OMIM 200600.

gnomAD v4.1: 42 of 1,613,294 alleles (0.0026%); highest among the groups gnomAD compares: Admixed American, 0.005%; no homozygotes.

Submission:

Labcorp Genetics (formerly Invitae), Labcorp
Classification: Pathogenic for Achondrogenesis, type IA. Last evaluated: 2024-12-18. Review status: criteria provided, single submitter. Criteria: Invitae Variant Classification Sherloc (09022015). Collection method: clinical testing. Allele origin: germline.
Comment: This sequence change creates a premature translational stop signal (p.Arg1167*) in the TRIP11 gene. It is expected to result in an absent or disrupted protein product. Loss-of-function variants in TRIP11 are known to be pathogenic (PMID: 20089971, 23956106). This variant is present in population databases (rs538677155, gnomAD 0.003%). This premature translational stop signal has been observed in individual(s) with achondrogenesis (PMID: 20089971). For these reasons, this variant has been classified as Pathogenic.

Literature cited by the submitters: PubMed 20089971; PubMed 23956106.